The following is an entry in ClinVar:

NM_014991.6(WDFY3):c.6485T>C (p.Leu2162Pro)

Gene: WDFY3 (WD repeat and FYVE domain containing 3; minus strand). Cytogenetic location: 4q21.23.
Variant type: single nucleotide variant.
Coding change: c.6485T>C on transcript NM_014991.6 (MANE Select); coding-DNA position 6485, T replaced by C.
Protein change: p.Leu2162Pro; replaces leucine 2162 with proline.
Molecular consequence: missense variant.
Genome position (GRCh38, 1-based): chr4:84,739,099, A>G on the plus strand (T>C on the coding strand, the complement: WDFY3 is on the minus strand). VCF-style: chr4-84739099-A-G. GRCh37 (hg19) VCF-style: chr4-85660252-A-G.
Other names: short protein forms L2162P.
Identifiers: ClinVar variation 2637342 (VCV002637342.1), dbSNP rs2532055626, ClinGen allele CA357554872.

ClinVar aggregate classification (germline): Uncertain significance (1 of 4 stars; one submission).

Conditions:
WDFY3-related disorder.

Submission:

PreventionGenetics, part of Exact Sciences
Classification: Uncertain significance for WDFY3-related condition. Last evaluated: 2022-10-18. Review status: criteria provided, single submitter. Criteria: ACMG Guidelines, 2015. Collection method: clinical testing. Allele origin: germline.
Comment: The WDFY3 c.6485T>C variant is predicted to result in the amino acid substitution p.Leu2162Pro. To our knowledge, this variant has not been reported in the literature or in a large population database, indicating this variant is rare. At this time, the clinical significance of this variant is uncertain due to the absence of conclusive functional and genetic evidence.